The following is an entry in ClinVar:

ClinVar aggregate classification (germline): Uncertain significance (1 of 4 stars; one submission).

Submission:

GeneDx
Classification: Uncertain significance. Last evaluated: 2025-01-13. Review status: criteria provided, single submitter. Criteria: GeneDx Variant Classification Process June 2021. Collection method: clinical testing. Allele origin: germline.
Comment: Not observed at significant frequency in large population cohorts (gnomAD); In silico analysis supports that this missense variant has a deleterious effect on protein structure/function; Has not been previously published as pathogenic or benign to our knowledge

NM_021120.4(DLG3):c.829C>T (p.Arg277Trp)

Gene: DLG3 (discs large MAGUK scaffold protein 3; plus strand). Cytogenetic location: Xq13.1.
Variant type: single nucleotide variant.
Coding change: c.829C>T on transcript NM_021120.4 (MANE Select); coding-DNA position 829, C replaced by T.
Protein change: p.Arg277Trp; replaces arginine 277 with tryptophan.
Molecular consequence: missense variant.
Genome position (GRCh38, 1-based): chrX:70,450,294, C>T. VCF-style: chrX-70450294-C-T. GRCh37 (hg19) VCF-style: chrX-69670144-C-T.
Other names: short protein forms R277W.
Identifiers: ClinVar variation 3342328 (VCV003342328.2).
Genomic context (GRCh38, chrX:70,450,294, plus strand): 5'-ATCACCAAGATCATTGAGGGGGGTGCTGCTCAGAAGGATGGACGCCTACAGATTGGGGAC[C>T]GGCTGCTGGCGGTGAGACAGACTTCATGGGGATGCCCAAATGGTAGGGTAGGGAGGAGGA-3'
Protein context (NP_066943.2, residues 267-287): QKDGRLQIGD[Arg277Trp]LLAVNNTNLQ